The following is an entry in ClinVar:

NM_003124.5(SPR):c.77T>A (p.Leu26His)

Genes: SPR (sepiapterin reductase; plus strand), LOC129934069 (ATAC-STARR-seq lymphoblastoid silent region 11626; plus strand). Cytogenetic location: 2p13.2.
Variant type: single nucleotide variant.
Coding change: c.77T>A on transcript NM_003124.5 (MANE Select); coding-DNA position 77, T replaced by A.
Protein change: p.Leu26His; replaces leucine 26 with histidine.
Molecular consequence: missense variant.
Genome position (GRCh38, 1-based): chr2:72,887,509, T>A. VCF-style: chr2-72887509-T-A. GRCh37 (hg19) VCF-style: chr2-73114638-T-A.
Other names: short protein forms L26H.
Identifiers: ClinVar variation 956364 (VCV000956364.15), dbSNP rs760657183, ClinGen allele CA1708903.
Genomic context (GRCh38, chr2:72,887,509, plus strand): 5'-GGCGTGCTGTGTGCTTGCTGACCGGGGCCTCCCGCGGCTTCGGCCGGACGCTGGCCCCGC[T>A]CCTGGCCTCGCTGCTGTCGCCCGGCTCCGTGCTTGTCCTTAGCGCCCGCAACGACGAGGC-3'
Protein context (NP_003115.1, residues 16-36): SRGFGRTLAP[Leu26His]LASLLSPGSV

ClinVar aggregate classification (germline): Uncertain significance. Review status: criteria provided, multiple submitters, no conflicts (2 of 4 stars). 3 submissions from 3 submitters: Uncertain significance (3). Last evaluated 2025-11-12.

Conditions:
Dystonic disorder. Also called: Dystonia. Identifiers: MedGen C0013421, MONDO:0003441, HP:0001332.
SPR-related disorder. Also called: SPR-related condition.

Allele frequency attached by ClinVar (database versions not stated): gnomAD exomes 0.00002; TOPMed 0.00003; gnomAD 0.00005; ExAC 0.00009.

Submissions (3):

Labcorp Genetics (formerly Invitae), Labcorp
Classification: Uncertain significance for Dystonic disorder. Last evaluated: 2025-11-12. Review status: criteria provided, single submitter. Criteria: Invitae Variant Classification Sherloc (09022015). Collection method: clinical testing. Allele origin: germline.
Comment: This sequence change replaces leucine, which is neutral and non-polar, with histidine, which is basic and polar, at codon 26 of the SPR protein (p.Leu26His). This variant is present in population databases (rs760657183, gnomAD 0.01%). This variant has not been reported in the literature in individuals affected with SPR-related conditions. ClinVar contains an entry for this variant (Variation ID: 956364). Invitae Evidence Modeling of protein sequence and biophysical properties (such as structural, functional, and spatial information, amino acid conservation, physicochemical variation, residue mobility, and thermodynamic stability) indicates that this missense variant is not expected to disrupt SPR protein function with a negative predictive value of 80%. In summary, the available evidence is currently insufficient to determine the role of this variant in disease. Therefore, it has been classified as a Variant of Uncertain Significance.

CeGaT Center for Human Genetics Tuebingen
Classification: Uncertain significance. Last evaluated: 2025-08-01. Review status: criteria provided, single submitter. Criteria: CeGaT Center For Human Genetics Tuebingen Variant Classification Criteria Version 2. Collection method: clinical testing. Allele origin: germline. Affected: yes. Observed: 1 variant allele.
Comment: SPR: PM2

PreventionGenetics, part of Exact Sciences
Classification: Uncertain significance for SPR-related condition. Last evaluated: 2025-04-04. Review status: criteria provided, single submitter. Criteria: ACMG Guidelines, 2015. Collection method: clinical testing. Allele origin: germline.
Comment: The SPR c.77T>A variant is predicted to result in the amino acid substitution p.Leu26His. To our knowledge, this variant has not been reported in the literature. This variant is reported in 0.010% of alleles in individuals of European (Non-Finnish) descent in gnomAD. At this time, the clinical significance of this variant is uncertain due to the absence of conclusive functional and genetic evidence.